The following is an entry in ClinVar:

ClinVar aggregate classification (germline): Pathogenic (1 of 4 stars; one submission).

Conditions:
Duane-radial ray syndrome (DRRS). Also called: ACRORENOOCULAR SYNDROME; DR SYNDROME; DUANE ANOMALY WITH RADIAL RAY ABNORMALITIES AND DEAFNESS; Duane-Radial Ray Syndrome (DRRS) / Okihiro Syndrome; Okihiro Syndrome; Duane-Radial Ray Syndrome/Okihiro Syndrome. Identifiers: Orphanet 93293, Orphanet 959, MedGen C1623209, MONDO:0011812, OMIM 607323. Disease mechanism: gain of function.

Submission:

Labcorp Genetics (formerly Invitae), Labcorp
Classification: Pathogenic for Duane-radial ray syndrome. Last evaluated: 2021-05-11. Review status: criteria provided, single submitter. Criteria: Invitae Variant Classification Sherloc (09022015). Collection method: clinical testing. Allele origin: germline.
Comment: For these reasons, this variant has been classified as Pathogenic. This variant has not been reported in the literature in individuals with SALL4-related conditions. This variant is not present in population databases (ExAC no frequency). This sequence change creates a premature translational stop signal (p.Pro654Serfs*11) in the SALL4 gene. It is expected to result in an absent or disrupted protein product. Loss-of-function variants in SALL4 are known to be pathogenic (PMID: 15342710, 16086360).

Literature cited by the submitters: PubMed 15342710; PubMed 16086360.

NM_020436.5(SALL4):c.1959dup (p.Pro654fs)

Gene: SALL4 (spalt like transcription factor 4; minus strand). Cytogenetic location: 20q13.2.
Variant type: Duplication.
Coding change: c.1959dup on transcript NM_020436.5 (MANE Select); coding-DNA position 1959, one base duplicated (T; older notation c.1959dupT).
Protein change: p.Pro654fs; shifts the reading frame from proline 654.
Molecular consequence: frameshift variant. On other transcripts: intron variant (1).
Genome position (GRCh38, 1-based): chr20:51,790,524, A duplicated on the plus strand (T on the coding strand, the reverse complement: SALL4 is on the minus strand); the first of 2 consecutive A bases (chr20:51,790,524-51,790,525); duplicating either gives the same sequence. VCF-style (leftmost placement, unchanged base first): chr20-51790523-G-GA. GRCh37 (hg19) VCF-style: chr20-50407062-G-GA.
Other names: c.1150+809dup (NM_001318031.2); short protein forms P654fs.
Identifiers: ClinVar variation 1411759 (VCV001411759.6), dbSNP rs2122962507, ClinGen allele CA2573157176.
Genomic context (GRCh38, chr20:51,790,523, plus strand): 5'-CCACGGTCATTGGCTCAGAACCCGTAAAGTCACAGGGATTCTCTGGCAGGGGCGTGTTGG[G>GA]AATCTGACCGCCCATGTGCATCCGAATATGTTGCTGCAGCATCACGGCATTAGTGAACTT-3'